The following is an entry in ClinVar:

NM_014946.4(SPAST):c.716dup (p.Leu239fs)

Gene: SPAST (spastin; plus strand). Cytogenetic location: 2p22.3.
Variant type: Duplication.
Coding change: c.716dup on transcript NM_014946.4 (MANE Select); coding-DNA position 716, one base duplicated (T; older notation c.716dupT).
Protein change: p.Leu239fs; shifts the reading frame from leucine 239.
Molecular consequence: frameshift variant.
Genome position (GRCh38, 1-based): chr2:32,114,671, T duplicated; the last of 2 consecutive T bases (chr2:32,114,670-32,114,671); duplicating either gives the same sequence. VCF-style (leftmost placement, unchanged base first): chr2-32114669-C-CT. GRCh37 (hg19) VCF-style: chr2-32339738-C-CT.
Other names: c.713dup, p.Leu238fs (NM_001363823.2); c.617dup, p.Leu206fs (NM_001363875.2); c.620dup, p.Leu207fs (NM_001377959.1, NM_199436.2); short protein forms L206fs, L207fs, L238fs, L239fs.
Identifiers: ClinVar variation 3898224 (VCV003898224.7).

ClinVar aggregate classification (germline): Pathogenic (1 of 4 stars; one submission).

Submission:

CeGaT Center for Human Genetics Tuebingen
Classification: Pathogenic. Last evaluated: 2025-04-01. Review status: criteria provided, single submitter. Criteria: CeGaT Center For Human Genetics Tuebingen Variant Classification Criteria Version 2. Collection method: clinical testing. Allele origin: germline. Affected: yes. Observed: 1 variant allele.
Comment: SPAST: PVS1, PM2, PS4:Supporting